The following is an entry in ClinVar:

ClinVar aggregate classification (germline): Benign. Review status: criteria provided, multiple submitters, no conflicts (2 of 4 stars). 2 submissions from 2 submitters: Benign (2). Last evaluated 2018-01-12.

Conditions:
Histidinemia. Also called: Hyperhistidinemia; Deficiency of histidine ammonia-lyase; HAL DEFICIENCY; HIS DEFICIENCY; HISTIDASE DEFICIENCY; HISTIDINE AMMONIA-LYASE DEFICIENCY. Identifiers: Orphanet 2157, MedGen C0220992, MONDO:0009345, OMIM 235800, HP:0010906.

Allele frequency attached by ClinVar (database versions not stated): gnomAD 0.44009 and 0.44211; 1000 Genomes Project 0.45347; TOPMed 0.45431; 1000 Genomes Project 30x 0.45909; gnomAD exomes 0.50000.

Submissions (2):

Illumina Laboratory Services, Illumina
Classification: Benign for Histidinemia. Last evaluated: 2018-01-12. Review status: criteria provided, single submitter. Criteria: ICSL Variant Classification Criteria 13 December 2019. Collection method: clinical testing. Allele origin: germline.
Comment: This variant was observed in the ICSL laboratory as part of a predisposition screen in an ostensibly healthy population. It had not been previously curated by ICSL or reported in the Human Gene Mutation Database (HGMD: prior to June 1st, 2018), and was therefore a candidate for classification through an automated scoring system. Utilizing variant allele frequency, disease prevalence and penetrance estimates, and inheritance mode, an automated score was calculated to assess if this variant is too frequent to cause the disease. Based on the score and internal cut-off values, a variant classified as benign is not then subjected to further curation. The score for this variant resulted in a classification of benign for this disease.

Breakthrough Genomics
Classification: Benign. Review status: criteria provided, single submitter. Criteria: ACMG Guidelines, 2015. Collection method: not provided. Allele origin: germline. Inheritance: Autosomal recessive inheritance. Affected: yes.

NM_002108.4(HAL):c.*1241A>C

Gene: HAL (histidine ammonia-lyase; minus strand). Cytogenetic location: 12q23.1.
Variant type: single nucleotide variant.
Coding change: c.*1241A>C on transcript NM_002108.4 (MANE Select); 1241 bases downstream of the stop codon, A replaced by C.
Molecular consequence: 3 prime UTR variant.
Genome position (GRCh38, 1-based): chr12:95,972,991, T>G on the plus strand (A>C on the coding strand, the complement: HAL is on the minus strand). VCF-style: chr12-95972991-T-G. GRCh37 (hg19) VCF-style: chr12-96366769-T-G.
Other names: c.*1241A>C (NM_001258333.2); c.*1369A>C (NM_001258334.2).
Identifiers: ClinVar variation 310679 (VCV000310679.6), dbSNP rs1059844, ClinGen allele CA10638818.